The following is an entry in ClinVar:

NM_002291.3(LAMB1):c.476C>G (p.Thr159Ser)

Gene: LAMB1 (laminin subunit beta 1; minus strand). Cytogenetic location: 7q31.1.
Variant type: single nucleotide variant.
Coding change: c.476C>G on transcript NM_002291.3 (MANE Select); coding-DNA position 476, C replaced by G.
Protein change: p.Thr159Ser; replaces threonine 159 with serine.
Molecular consequence: missense variant.
Genome position (GRCh38, 1-based): chr7:107,986,311, G>C on the plus strand (C>G on the coding strand, the complement: LAMB1 is on the minus strand). VCF-style: chr7-107986311-G-C. GRCh37 (hg19) VCF-style: chr7-107626756-G-C.
Other names: short protein forms T159S.
Identifiers: ClinVar variation 252602 (VCV000252602.29), dbSNP rs140146478, ClinGen allele CA4436279.

ClinVar aggregate classification (germline): Conflicting classifications of pathogenicity. Review status: criteria provided, conflicting classifications (1 of 4 stars). 8 submissions from 8 submitters: Uncertain significance (2); Likely benign (4). 2 of the submissions do not count toward it. Last evaluated 2026-01-20.

Conditions:
LAMB1-related disorder. Also called: LAMB1-related condition.
Multiple sclerosis. Identifiers: MedGen C0026769, MONDO:0005301.

Allele frequency attached by ClinVar (database versions not stated): 1000 Genomes Project 30x 0.00078; 1000 Genomes Project 0.00080; ExAC 0.00194; gnomAD exomes 0.00217 and 0.00280; gnomAD 0.00228 and 0.00233; TOPMed 0.00229; ESP Exome Variant Server 0.00277.
gnomAD v4.1: 4,405 of 1,611,192 alleles (0.27%); highest among the groups gnomAD compares: Non-Finnish European, 0.31%; 10 homozygotes.

Submissions (8):

Labcorp Genetics (formerly Invitae), Labcorp
Classification: Likely benign. Last evaluated: 2026-01-20. Review status: criteria provided, single submitter. Criteria: Invitae Variant Classification Sherloc (09022015). Collection method: clinical testing. Allele origin: germline.

CeGaT Center for Human Genetics Tuebingen
Classification: Likely benign. Last evaluated: 2025-05-01. Review status: criteria provided, single submitter. Criteria: CeGaT Center For Human Genetics Tuebingen Variant Classification Criteria Version 2. Collection method: clinical testing. Allele origin: germline. Affected: yes. Observed: 2 variant alleles.
Comment: LAMB1: BS2

Blueprint Genetics
Classification: Likely benign. Last evaluated: 2024-11-26. Review status: criteria provided, single submitter. Criteria: ACMG Guidelines, 2015. Collection method: clinical testing. Allele origin: germline.

GeneDx
Classification: Likely benign. Last evaluated: 2020-09-21. Review status: criteria provided, single submitter. Criteria: GeneDx Variant Classification Process June 2021. Collection method: clinical testing. Allele origin: germline. Affected: yes.

Genomic Diagnostic Laboratory, Division of Genomic Diagnostics, Children's Hospital of Philadelphia
Classification: Uncertain significance. Last evaluated: 2015-11-06. Review status: criteria provided, single submitter. Criteria: DGD Variant Analysis Guidelines. Collection method: clinical testing. Allele origin: unknown.

Genetic Services Laboratory, University of Chicago
Classification: Uncertain significance. Last evaluated: 2015-09-18. Review status: criteria provided, single submitter. Criteria: ACMG Guidelines, 2015. Collection method: clinical testing. Allele origin: germline. Affected: no.

Department of Molecular Biology and Genetics, Acibadem University
Classification: Likely pathogenic for Multiple sclerosis. Last evaluated: 2024-06-10. Review status: no assertion criteria provided. Collection method: research. Allele origin: germline. Affected: yes. Not counted in ClinVar's aggregate classification.

PreventionGenetics, part of Exact Sciences
Classification: Likely benign for LAMB1-related condition. Last evaluated: 2019-07-31. Review status: no assertion criteria provided. Collection method: clinical testing. Allele origin: germline. Not counted in ClinVar's aggregate classification.
Comment: This variant is classified as likely benign based on ACMG/AMP sequence variant interpretation guidelines (Richards et al. 2015 PMID: 25741868, with internal and published modifications).